The following is an entry in ClinVar:

ClinVar aggregate classification (germline): Uncertain significance (1 of 4 stars; one submission).

Submission:

GeneDx
Classification: Uncertain significance. Last evaluated: 2019-10-16. Review status: criteria provided, single submitter. Criteria: GeneDx Variant Classification Process June 2021. Collection method: clinical testing. Allele origin: germline. Affected: yes.
Comment: Not observed in large population cohorts (Lek et al., 2016); In silico analysis, which includes protein predictors and evolutionary conservation, supports that this variant does not alter protein structure/function; Has not been previously published as pathogenic or benign to our knowledge

NM_000291.4(PGK1):c.1058A>G (p.Lys353Arg)

Gene: PGK1 (phosphoglycerate kinase 1; plus strand). Cytogenetic location: Xq21.1.
Variant type: single nucleotide variant.
Coding change: c.1058A>G on transcript NM_000291.4 (MANE Select); coding-DNA position 1058, A replaced by G.
Protein change: p.Lys353Arg; replaces lysine 353 with arginine.
Molecular consequence: missense variant.
Genome position (GRCh38, 1-based): chrX:78,124,995, A>G. VCF-style: chrX-78124995-A-G. GRCh37 (hg19) VCF-style: chrX-77380492-A-G.
Other names: short protein forms K353R.
Identifiers: ClinVar variation 1308913 (VCV001308913.2), dbSNP rs2149137043, ClinGen allele CA413717901.
Genomic context (GRCh38, chrX:78,124,995, plus strand): 5'-AGATTGTGTGGAATGGTCCTGTGGGGGTATTTGAATGGGAAGCTTTTGCCCGGGGAACCA[A>G]AGCTCTCATGGATGAGGTGGTGAAAGCCACTTCTAGGGGCTGCATCACCATCATAGGTAA-3'
Protein context (NP_000282.1, residues 343-363): FEWEAFARGT[Lys353Arg]ALMDEVVKAT